The following is an entry in ClinVar:

ClinVar aggregate classification (germline): Likely benign. Review status: criteria provided, multiple submitters, no conflicts (2 of 4 stars). 2 submissions from 2 submitters: Likely benign (2). Last evaluated 2024-10-24.

Allele frequency attached by ClinVar (database versions not stated): gnomAD exomes 0.00001 and 0.00002; ExAC 0.00002; gnomAD 0.00002 and 0.00005; TOPMed 0.00002; 1000 Genomes Project 30x 0.00042.
gnomAD v4.1: 18 of 1,189,127 alleles (0.0015%); highest among the groups gnomAD compares: South Asian, 0.021%; no homozygotes.

Submissions (2):

Labcorp Genetics (formerly Invitae), Labcorp
Classification: Likely benign. Last evaluated: 2024-10-24. Review status: criteria provided, single submitter. Criteria: Invitae Variant Classification Sherloc (09022015). Collection method: clinical testing. Allele origin: germline.

GeneDx
Classification: Likely benign. Last evaluated: 2018-03-12. Review status: criteria provided, single submitter. Criteria: GeneDx Variant Classification (06012015). Collection method: clinical testing. Allele origin: germline. Affected: yes.
Comment: This variant is considered likely benign or benign based on one or more of the following criteria: it is a conservative change, it occurs at a poorly conserved position in the protein, it is predicted to be benign by multiple in silico algorithms, and/or has population frequency not consistent with disease.

NM_006280.3(SSR4):c.68-5C>T

Gene: SSR4 (signal sequence receptor subunit 4; plus strand). Cytogenetic location: Xq28.
Variant type: single nucleotide variant.
Coding change: c.68-5C>T on transcript NM_006280.3 (MANE Select); 5 bases into the intron before coding-DNA position 68, C replaced by T.
Molecular consequence: intron variant.
Genome position (GRCh38, 1-based): chrX:153,796,429, C>T. VCF-style: chrX-153796429-C-T. GRCh37 (hg19) VCF-style: chrX-153061884-C-T.
Other names: c.68-5C>T (NM_001440796.1); c.149-5C>T (NM_001440795.1); c.92-5C>T (NM_001204527.2); c.101-5C>T (NM_001204526.2).
Identifiers: ClinVar variation 515985 (VCV000515985.6), dbSNP rs782262585, ClinGen allele CA10553241.